The following is an entry in ClinVar:

ClinVar aggregate classification (germline): Uncertain significance. Review status: criteria provided, multiple submitters, no conflicts (2 of 4 stars). 3 submissions from 3 submitters: Uncertain significance (3). Last evaluated 2024-06-17.

Conditions:
Hereditary cancer-predisposing syndrome. Also called: Tumor predisposition; Hereditary Cancer Syndrome; Neoplastic Syndromes, Hereditary; Hereditary neoplastic syndrome. Identifiers: Orphanet 140162, MedGen C0027672, MeSH D009386, MONDO:0015356.
Hereditary breast ovarian cancer syndrome. Also called: Hereditary breast and ovarian cancer; Breast and ovarian cancer; Hereditary breast and/or ovarian cancer syndrome; Hereditary breast and ovarian cancer syndrome; BRCA1- and BRCA2-Associated Hereditary Breast and Ovarian Cancer; Hereditary breast and ovarian cancer syndrome (HBOC). Identifiers: Orphanet 145, MedGen C0677776, MeSH D061325, MONDO:0003582. Disease mechanism: loss of function.

Allele frequency attached by ClinVar (database versions not stated): gnomAD exomes below 0.00001.
gnomAD v4.1: 1 of 1,614,120 alleles (0.000062%); highest among the groups gnomAD compares: Non-Finnish European, 0.000085%; no homozygotes.

Submissions (3):

Labcorp Genetics (formerly Invitae), Labcorp
Classification: Uncertain significance for Hereditary breast ovarian cancer syndrome. Last evaluated: 2024-06-17. Review status: criteria provided, single submitter. Criteria: Invitae Variant Classification Sherloc (09022015). Collection method: clinical testing. Allele origin: germline.
Comment: This sequence change replaces cysteine, which is neutral and slightly polar, with tyrosine, which is neutral and polar, at codon 3265 of the BRCA2 protein (p.Cys3265Tyr). This variant is not present in population databases (gnomAD no frequency). This variant has not been reported in the literature in individuals affected with BRCA2-related conditions. ClinVar contains an entry for this variant (Variation ID: 823482). Advanced modeling of protein sequence and biophysical properties (such as structural, functional, and spatial information, amino acid conservation, physicochemical variation, residue mobility, and thermodynamic stability) performed at Invitae indicates that this missense variant is not expected to disrupt BRCA2 protein function with a negative predictive value of 95%. In summary, the available evidence is currently insufficient to determine the role of this variant in disease. Therefore, it has been classified as a Variant of Uncertain Significance.

Color Diagnostics, LLC DBA Color Health
Classification: Uncertain significance for Hereditary cancer-predisposing syndrome. Last evaluated: 2024-03-18. Review status: criteria provided, single submitter. Criteria: ACMG Guidelines, 2015. Collection method: clinical testing. Allele origin: germline.
Comment: This missense variant replaces cysteine with tyrosine at codon 3265 of the BRCA2 protein. Computational prediction suggests that this variant may not impact protein structure and function. To our knowledge, functional studies have not been reported for this variant. This variant has been reported in an individual affected with breast cancer (PMID: 28947987). This variant has not been identified in the general population by the Genome Aggregation Database (gnomAD). The available evidence is insufficient to determine the role of this variant in disease conclusively. Therefore, this variant is classified as a Variant of Uncertain Significance.

Ambry Genetics
Classification: Uncertain significance for Hereditary cancer-predisposing syndrome. Last evaluated: 2022-09-29. Review status: criteria provided, single submitter. Criteria: Ambry Variant Classification Scheme 2023. Collection method: clinical testing. Allele origin: germline.
Comment: The p.C3265Y variant (also known as c.9794G>A), located in coding exon 26 of the BRCA2 gene, results from a G to A substitution at nucleotide position 9794. The cysteine at codon 3265 is replaced by tyrosine, an amino acid with highly dissimilar properties. This amino acid position is not well conserved in available vertebrate species. In addition, this alteration is predicted to be tolerated by in silico analysis. Since supporting evidence is limited at this time, the clinical significance of this alteration remains unclear.

Literature cited by the submitters: PubMed 28947987 (cited by Color Diagnostics, LLC DBA Color Health and Ambry Genetics).

NM_000059.4(BRCA2):c.9794G>A (p.Cys3265Tyr)

Gene: BRCA2 (BRCA2 DNA repair associated; plus strand). Cytogenetic location: 13q13.1.
Variant type: single nucleotide variant.
Coding change: c.9794G>A on transcript NM_000059.4 (MANE Select); coding-DNA position 9794, G replaced by A.
Protein change: p.Cys3265Tyr; replaces cysteine 3265 with tyrosine.
Molecular consequence: missense variant.
Genome position (GRCh38, 1-based): chr13:32,398,307, G>A. VCF-style: chr13-32398307-G-A. GRCh37 (hg19) VCF-style: chr13-32972444-G-A.
Other names: short protein forms C3265Y.
Identifiers: ClinVar variation 823482 (VCV000823482.14), dbSNP rs899192725, ClinGen allele CA247509053.